The following is an entry in ClinVar:

NM_014795.4(ZEB2):c.751G>A (p.Ala251Thr)

Gene: ZEB2 (zinc finger E-box binding homeobox 2; minus strand). Cytogenetic location: 2q22.3.
Variant type: single nucleotide variant.
Coding change: c.751G>A on transcript NM_014795.4 (MANE Select); coding-DNA position 751, G replaced by A.
Protein change: p.Ala251Thr; replaces alanine 251 with threonine.
Molecular consequence: missense variant.
Genome position (GRCh38, 1-based): chr2:144,403,972, C>T on the plus strand (G>A on the coding strand, the complement: ZEB2 is on the minus strand). VCF-style: chr2-144403972-C-T. GRCh37 (hg19) VCF-style: chr2-145161539-C-T.
Other names: c.679G>A, p.Ala227Thr (NM_001171653.2); short protein forms A227T, A251T.
Identifiers: ClinVar variation 657562 (VCV000657562.8), dbSNP rs1437414345, ClinGen allele CA348714673.

ClinVar aggregate classification (germline): Uncertain significance (1 of 4 stars; one submission).

Conditions:
Mowat-Wilson syndrome (MOWS). Also called: Classic Mowat-Wilson Syndrome. Identifiers: Orphanet 2152, MedGen C1856113, MONDO:0009341, OMIM 235730.

Allele frequency attached by ClinVar (database versions not stated): TOPMed below 0.00001; gnomAD exomes below 0.00001.
gnomAD v4.1: 1 of 1,614,160 alleles (0.000062%); highest among the groups gnomAD compares: Admixed American, 0.0017%; no homozygotes.

Submission:

Labcorp Genetics (formerly Invitae), Labcorp
Classification: Uncertain significance for Mowat-Wilson syndrome. Last evaluated: 2022-09-06. Review status: criteria provided, single submitter. Criteria: Invitae Variant Classification Sherloc (09022015). Collection method: clinical testing. Allele origin: germline.
Comment: In summary, the available evidence is currently insufficient to determine the role of this variant in disease. Therefore, it has been classified as a Variant of Uncertain Significance. Algorithms developed to predict the effect of missense changes on protein structure and function are either unavailable or do not agree on the potential impact of this missense change (SIFT: "Deleterious"; PolyPhen-2: "Probably Damaging"; Align-GVGD: "Class C0"). ClinVar contains an entry for this variant (Variation ID: 657562). This variant has not been reported in the literature in individuals affected with ZEB2-related conditions. This variant is present in population databases (no rsID available, gnomAD 0.003%). This sequence change replaces alanine, which is neutral and non-polar, with threonine, which is neutral and polar, at codon 251 of the ZEB2 protein (p.Ala251Thr).